The following is an entry in ClinVar:

NM_007294.4(BRCA1):c.5277+3A>C

Gene: BRCA1 (BRCA1 DNA repair associated; minus strand). Cytogenetic location: 17q21.31.
Variant type: single nucleotide variant.
Coding change: c.5277+3A>C on transcript NM_007294.4 (MANE Select); 3 bases into the intron after coding-DNA position 5277, A replaced by C.
Molecular consequence: intron variant.
Genome position (GRCh38, 1-based): chr17:43,057,049, T>G on the plus strand (A>C on the coding strand, the complement: BRCA1 is on the minus strand). VCF-style: chr17-43057049-T-G. GRCh37 (hg19) VCF-style: chr17-41209066-T-G.
Other names: c.1698+3A>C (NM_001408505.1); c.4815+3A>C (NM_001407964.1); c.5130+3A>C (NM_001407844.1, NM_001407851.1, NM_001407849.1 and 12 more transcripts); c.5133+3A>C (NM_001407743.1, NM_001407735.1, NM_001407744.1 and 21 more transcripts); c.5007+3A>C (NM_001407935.1, NM_001407936.1, NM_001407934.1); c.5013+3A>C (NM_001407926.1, NM_001407924.1, NM_001407920.1 and 4 more transcripts); c.5136+3A>C (NM_001407729.1, NM_001407698.1, NM_001407942.1 and 13 more transcripts); c.5064+3A>C (NM_001407899.1, NM_001407895.1, NM_001407910.1 and 12 more transcripts); and 72 more.
Identifiers: ClinVar variation 55496 (VCV000055496.4), dbSNP rs397509250, ClinGen allele CA003422.

ClinVar aggregate classification (germline): not provided (0 of 4 stars; one submission).

Conditions:
Familial cancer of breast. Also called: hereditary breast carcinoma; BREAST CANCER, FAMILIAL; Hereditary breast cancer. Identifiers: Orphanet 227535, MedGen C0346153, MONDO:0016419, OMIM 114480. Disease mechanism: loss of function.

Submissions (2):

Brotman Baty Institute, University of Washington
No classification provided (evidence only). Condition: Breast-ovarian cancer, familial 1. Review status: no classification provided. Collection method: in vitro. Allele origin: not applicable. Functional consequence: functionally_normal. Not counted in ClinVar's aggregate classification.
ClinVar note: "not provided" was previously submitted as the classification for the variant. However, the classification appeared to be based only on an observation of functional data so it was converted to no classification on 2025-07-30.

ClinVar Staff, National Center for Biotechnology Information (NCBI)
No classification provided. Condition: Familial cancer of breast. Review status: no classification provided. Collection method: literature only. Allele origin: germline. Affected: yes.

Literature cited by the submitters: PubMed 12497638 (cited by ClinVar Staff, National Center for Biotechnology Information (NCBI)).